The following is an entry in ClinVar:

NM_013275.6(ANKRD11):c.3721A>G (p.Lys1241Glu)

Gene: ANKRD11 (ankyrin repeat domain containing 11; minus strand). Cytogenetic location: 16q24.3.
Variant type: single nucleotide variant.
Coding change: c.3721A>G on transcript NM_013275.6 (MANE Select); coding-DNA position 3721, A replaced by G.
Protein change: p.Lys1241Glu; replaces lysine 1241 with glutamic acid.
Molecular consequence: missense variant.
Genome position (GRCh38, 1-based): chr16:89,282,821, T>C on the plus strand (A>G on the coding strand, the complement: ANKRD11 is on the minus strand). VCF-style: chr16-89282821-T-C. GRCh37 (hg19) VCF-style: chr16-89349229-T-C.
Other names: c.3721A>G, p.Lys1241Glu (NM_001256182.2, NM_001256183.2); short protein forms K1241E.
Identifiers: ClinVar variation 3766384 (VCV003766384.1).

ClinVar aggregate classification (germline): Uncertain significance (1 of 4 stars; one submission).

Submission:

GeneDx
Classification: Uncertain significance. Last evaluated: 2024-08-28. Review status: criteria provided, single submitter. Criteria: GeneDx Variant Classification Process June 2021. Collection method: clinical testing. Allele origin: germline. Affected: yes.
Comment: Not observed at significant frequency in large population cohorts (gnomAD); In silico analysis indicates that this missense variant does not alter protein structure/function; Has not been previously published as pathogenic or benign to our knowledge